The following is an entry in ClinVar:

NM_001332.4(CTNND2):c.3092G>A (p.Trp1031Ter)

Gene: CTNND2 (catenin delta 2; minus strand). Cytogenetic location: 5p15.2.
Variant type: single nucleotide variant.
Coding change: c.3092G>A on transcript NM_001332.4 (MANE Select); coding-DNA position 3092, G replaced by A.
Protein change: p.Trp1031Ter; replaces tryptophan 1031 with a stop codon.
Molecular consequence: nonsense. On other transcripts: non-coding transcript variant (1).
Genome position (GRCh38, 1-based): chr5:10,992,670, C>T on the plus strand (G>A on the coding strand, the complement: CTNND2 is on the minus strand). VCF-style: chr5-10992670-C-T. GRCh37 (hg19) VCF-style: chr5-10992782-C-T.
Other names: c.2819G>A, p.Trp940Ter (NM_001288715.1); c.2081G>A, p.Trp694Ter (NM_001288716.1); c.1793G>A, p.Trp598Ter (NM_001288717.2); c.2156G>A, p.Trp719Ter (NM_001364128.2); short protein forms W1031*, W719*, W598*, W694*, W940*.
Identifiers: ClinVar variation 620420 (VCV000620420.1), dbSNP rs1561136548, ClinGen allele CA359277707.

ClinVar aggregate classification (germline): Likely pathogenic (1 of 4 stars; one submission).

Submission:

GeneDx
Classification: Likely pathogenic. Last evaluated: 2018-10-16. Review status: criteria provided, single submitter. Criteria: GeneDx Variant Classification (06012015). Collection method: clinical testing. Allele origin: germline. Affected: yes.
Comment: The W1031X variant has not been published as a pathogenic variant, nor has it been reported as a benign variant to our knowledge. This variant is not observed in large population cohorts (Lek et al., 2016). This variant is predicted to cause loss of normal protein function either through protein truncation or nonsense-mediated mRNA decay.